The following is an entry in ClinVar:

NM_001378454.1(ALMS1):c.4988C>T (p.Thr1663Ile)

Gene: ALMS1 (ALMS1 centrosome and basal body associated protein; plus strand). Cytogenetic location: 2p13.1.
Variant type: single nucleotide variant.
Coding change: c.4988C>T on transcript NM_001378454.1 (MANE Select); coding-DNA position 4988, C replaced by T.
Protein change: p.Thr1663Ile; replaces threonine 1663 with isoleucine.
Molecular consequence: missense variant.
Genome position (GRCh38, 1-based): chr2:73,451,515, C>T. VCF-style: chr2-73451515-C-T. GRCh37 (hg19) VCF-style: chr2-73678642-C-T.
Other names: c.4991C>T, p.Thr1664Ile (NM_015120.4); short protein forms T1664I, T1663I.
Identifiers: ClinVar variation 241000 (VCV000241000.58), dbSNP rs188807564, ClinGen allele CA1713808.
Genomic context (GRCh38, chr2:73,451,515, plus strand): 5'-AAGTTTCAGCTGCTCCTGGACCAGCTGACCAGAAGACTGAGACATTACCAGTACATTCTA[C>T]TAGCTACTCAAATAGGGGGAAGCCTGTCATTTTCTACCAGCAGACCCTATCAGACAGTCA-3'
Protein context (NP_001365383.1, residues 1653-1673): QKTETLPVHS[Thr1663Ile]SYSNRGKPVI

ClinVar aggregate classification (germline): Conflicting classifications of pathogenicity. Review status: criteria provided, conflicting classifications (1 of 4 stars). 12 submissions from 12 submitters: Uncertain significance (1); Benign (1); Likely benign (10). Last evaluated 2026-01-29.

Conditions:
Cardiovascular phenotype. Identifiers: MedGen CN230736.
Monogenic diabetes. Identifiers: Orphanet 183625, MedGen C3888631, MONDO:0015967.
Alstrom syndrome (ALMS). Identifiers: Orphanet 64, MedGen C0268425, MONDO:0008763, OMIM 203800.

Allele frequency attached by ClinVar (database versions not stated): gnomAD exomes 0.00058; ExAC 0.00072; 1000 Genomes Project 30x 0.00250; gnomAD 0.00254 and 0.00267; 1000 Genomes Project 0.00260; TOPMed 0.00284; ESP Exome Variant Server 0.00303.
gnomAD v4.1: 743 of 1,613,754 alleles (0.046%); highest among the groups gnomAD compares: African/African-American, 0.92%; 9 homozygotes.

Submissions (12):

Labcorp Genetics (formerly Invitae), Labcorp
Classification: Likely benign for Alstrom syndrome. Last evaluated: 2026-01-29. Review status: criteria provided, single submitter. Criteria: Invitae Variant Classification Sherloc (09022015). Collection method: clinical testing. Allele origin: germline.

CeGaT Center for Human Genetics Tuebingen
Classification: Likely benign. Last evaluated: 2025-02-01. Review status: criteria provided, single submitter. Criteria: CeGaT Center For Human Genetics Tuebingen Variant Classification Criteria Version 2. Collection method: clinical testing. Allele origin: germline. Affected: yes. Observed: 2 variant alleles.
Comment: ALMS1: BP4, BS2

Blueprint Genetics
Classification: Likely benign. Last evaluated: 2024-08-08. Review status: criteria provided, single submitter. Criteria: ACMG Guidelines, 2015. Collection method: clinical testing. Allele origin: germline.

ARUP Laboratories, Molecular Genetics and Genomics, ARUP Laboratories
Classification: Likely benign for Alstrom syndrome. Last evaluated: 2024-05-14. Review status: criteria provided, single submitter. Criteria: ARUP Molecular Germline Variant Investigation Process 2024. Collection method: clinical testing. Allele origin: germline.

Women's Health and Genetics/Laboratory Corporation of America, LabCorp
Classification: Likely benign. Last evaluated: 2023-06-12. Review status: criteria provided, single submitter. Criteria: LabCorp Variant Classification Summary - May 2015. Collection method: clinical testing. Allele origin: germline.
Comment: Variant summary: ALMS1 c.4985C>T/p.Thr1662Ile (also known as c.4991C>T in RefSeq) results in a non-conservative amino acid change in the encoded protein sequence. Three of five in-silico tools predict a benign effect of the variant on protein function. The variant allele was found at a frequency of 0.00058 in 249086 control chromosomes, predominantly at a frequency of 0.0087 within the African or African-American subpopulation in the gnomAD database, including 3 homozygotes. The observed variant frequency within African or African-American control individuals in the gnomAD database is approximately 4 fold of the estimated maximal expected allele frequency for a pathogenic variant in ALMS1 causing Cardiomyopathy phenotype (0.0022), strongly suggesting that the variant is a benign polymorphism found primarily in populations of African or African-American origin. c.4985C>T has been reported in the literature in individuals affected with Cardiomyopathy. These report(s) do not provide unequivocal conclusions about association of the variant with Cardiomyopathy. To our knowledge, no experimental evidence demonstrating an impact on protein function has been reported. The following publication have been ascertained in the context of this evaluation (PMID: 23033341). Seven clinical diagnostic laboratories have submitted clinical-significance assessments for this variant to ClinVar after 2014. All laboratories classified the variant as benign/likely benign. Based on the evidence outlined above, the variant was classified as likely benign.

GeneDx
Classification: Benign. Last evaluated: 2019-08-14. Review status: criteria provided, single submitter. Criteria: GeneDx Variant Classification Process June 2021. Collection method: clinical testing. Allele origin: germline. Affected: yes.

Ambry Genetics
Classification: Likely benign for Cardiovascular phenotype. Last evaluated: 2018-12-29. Review status: criteria provided, single submitter. Criteria: Ambry Variant Classification Scheme 2023. Collection method: clinical testing. Allele origin: germline.

Eurofins Ntd Llc (ga)
Classification: Likely benign. Last evaluated: 2018-07-31. Review status: criteria provided, single submitter. Criteria: EGL ClinVar v180209 classification definitions. Collection method: clinical testing. Allele origin: germline. Observed: 1 variant allele, 1 heterozygote.

Personalized Diabetes Medicine Program, University of Maryland School of Medicine
Classification: Likely benign for Monogenic diabetes. Last evaluated: 2017-11-10. Review status: criteria provided, single submitter. Criteria: ACMG Guidelines, 2015. Collection method: research. Allele origin: unknown. Observed: 3 variant alleles, 3 heterozygotes.
Comment: ACMG criteria: BP4 (9 predictors), BS2 (33 cases and 12 controls in an online resource and one homozygous in ExAC), BP1 (missense in gene with truncating cause disease)=likely benign

Laboratory for Molecular Medicine, Mass General Brigham Personalized Medicine
Classification: Likely benign. Last evaluated: 2016-03-21. Review status: criteria provided, single submitter. Criteria: LMM Criteria. Collection method: clinical testing. Allele origin: germline. Observed: 3 variant alleles.
Comment: p.Thr1662Ile in exon 8 of ALMS1: This variant is not expected to have clinical s ignificance because it has been identified in 0.86% (83/9656) of African chromos omes by the Exome Aggregation Consortium (ExAC; dbSNP rs188807564).

Genetic Services Laboratory, University of Chicago
Classification: Likely benign. Last evaluated: 2016-03-14. Review status: criteria provided, single submitter. Criteria: ACMG Guidelines, 2015. Collection method: clinical testing. Allele origin: germline. Affected: no.

Clinical Genomics, Uppaluri K&H Personalized Medicine Clinic
Classification: Uncertain significance for Alstrom syndrome. Review status: criteria provided, single submitter. Criteria: K & H Uppaluri Personalized Medicine Clinic Variant Classification & Assertion Criteria_Updated V.1. Collection method: research. Allele origin: unknown. Inheritance: Autosomal recessive inheritance.
Comment: Potent mutations in ALMS1 are associated with a rare condition called Alstrom syndrome. It can cause excessive eating, insulin resistance. However, no evidence is found to ascertain the role of rs188807564 in Alstrom syndrome yet.

Literature cited by the submitters: PubMed 23033341 (cited by Women's Health and Genetics/Laboratory Corporation of America, LabCorp); PubMed 34148947 (cited by Clinical Genomics, Uppaluri K&H Personalized Medicine Clinic); PubMed 25846608 (cited by Clinical Genomics, Uppaluri K&H Personalized Medicine Clinic); PubMed 30421101 (cited by Clinical Genomics, Uppaluri K&H Personalized Medicine Clinic); PubMed 33669459 (cited by Clinical Genomics, Uppaluri K&H Personalized Medicine Clinic).